The following is an entry in ClinVar:

NM_004006.3(DMD):c.6463C>T (p.Arg2155Trp)

Gene: DMD (dystrophin; minus strand). Cytogenetic location: Xp21.1.
Variant type: single nucleotide variant.
Coding change: c.6463C>T on transcript NM_004006.3 (MANE Select); coding-DNA position 6463, C replaced by T.
Protein change: p.Arg2155Trp; replaces arginine 2155 with tryptophan.
Molecular consequence: missense variant. On other transcripts: 5 prime UTR variant (5).
Genome position (GRCh38, 1-based): chrX:31,968,490, G>A on the plus strand (C>T on the coding strand, the complement: DMD is on the minus strand). VCF-style: chrX-31968490-G-A. GRCh37 (hg19) VCF-style: chrX-31986607-G-A.
Other names: p.R2155W:CGG>TGG; c.6439C>T, p.Arg2147Trp (NM_000109.4); c.6451C>T, p.Arg2151Trp (NM_004009.3); c.6094C>T, p.Arg2032Trp (NM_004010.3); c.2440C>T, p.Arg814Trp (NM_004011.4); c.2431C>T, p.Arg811Trp (NM_004012.4); c.-918C>T (NM_004013.3, NM_004020.4, NM_004021.3 and 2 more transcripts); short protein forms R2155W, R2147W, R811W, R814W, R2032W, R2151W.
Identifiers: ClinVar variation 94741 (VCV000094741.51), dbSNP rs1800273, ClinGen allele CA285592.

ClinVar aggregate classification (germline): Benign/Likely benign. Review status: criteria provided, multiple submitters, no conflicts (2 of 4 stars). 19 submissions from 19 submitters: Benign (10); Likely benign (4). 5 of the submissions do not count toward it. Last evaluated 2026-02-04.

Conditions:
Cardiovascular phenotype. Identifiers: MedGen CN230736.
Cardiomyopathy (CMYO). Also called: Cardiomyopathies. Identifiers: Orphanet 167848, MedGen C0878544, MONDO:0004994, HP:0001638. Inheritance: Various modes of inheritance.
Becker muscular dystrophy (BMD). Also called: MUSCULAR DYSTROPHY, PSEUDOHYPERTROPHIC PROGRESSIVE, BECKER TYPE; Becker Muscular Dystrophy (BMD). Identifiers: Orphanet 98895, MedGen C0917713, MONDO:0010311, OMIM 300376.
Duchenne muscular dystrophy (DMD). Also called: Duchenne Muscular Dystrophy (DMD); MUSCULAR DYSTROPHY, PSEUDOHYPERTROPHIC PROGRESSIVE, DUCHENNE TYPE. Identifiers: Orphanet 98896, MedGen C0013264, MONDO:0010679, OMIM 310200.
Dystrophin deficiency.
Dilated cardiomyopathy 3B (CMD3B). Also called: CMD3B: DMD-Related Dilated Cardiomyopathy; CARDIOMYOPATHY, DILATED, X-LINKED; DMD-Associated Dilated Cardiomyopathy. Identifiers: Orphanet 154, MedGen C3668940, MONDO:0010542, OMIM 302045.

Allele frequency attached by ClinVar (database versions not stated): 1000 Genomes Project 0.01298; 1000 Genomes Project 30x 0.01394; TOPMed 0.02546; ExAC 0.02605; gnomAD exomes 0.02611 and 0.03791; ESP Exome Variant Server 0.02661; gnomAD 0.02707 and 0.02767.
gnomAD v4.1: 44,374 of 1,208,510 alleles (3.7%); highest among the groups gnomAD compares: Non-Finnish European, 4.4%; 655 homozygotes.

Submissions (19):

Labcorp Genetics (formerly Invitae), Labcorp
Classification: Benign for Duchenne muscular dystrophy. Last evaluated: 2026-02-04. Review status: criteria provided, single submitter. Criteria: Invitae Variant Classification Sherloc (09022015). Collection method: clinical testing. Allele origin: germline.

Molecular Diagnostic Laboratory for Inherited Cardiovascular Disease, Montreal Heart Institute
Classification: Likely benign. Last evaluated: 2025-07-24. Review status: criteria provided, single submitter. Criteria: ACMG Guidelines, 2015. Collection method: clinical testing. Allele origin: germline. Affected: no.

Athena Diagnostics
Classification: Benign. Last evaluated: 2025-07-17. Review status: criteria provided, single submitter. Criteria: Athena Diagnostics Criteria. Collection method: clinical testing. Allele origin: unknown.
Comment: The frequency of this variant in the general population is higher than would generally be expected for pathogenic variants in this gene.

ARUP Laboratories, Molecular Genetics and Genomics, ARUP Laboratories
Classification: Benign. Last evaluated: 2025-07-03. Review status: criteria provided, single submitter. Criteria: ARUP Molecular Germline Variant Investigation Process 2024. Collection method: clinical testing. Allele origin: germline.

Blueprint Genetics
Classification: Likely benign. Last evaluated: 2024-11-28. Review status: criteria provided, single submitter. Criteria: ACMG Guidelines, 2015. Collection method: clinical testing. Allele origin: germline.

Mayo Clinic Laboratories, Mayo Clinic
Classification: Benign. Last evaluated: 2023-03-01. Review status: criteria provided, single submitter. Criteria: ACMG Guidelines, 2015. Collection method: clinical testing. Allele origin: germline. Observed: 74 variant alleles.
Comment: BA1

Women's Health and Genetics/Laboratory Corporation of America, LabCorp
Classification: Benign. Last evaluated: 2019-03-04. Review status: criteria provided, single submitter. Criteria: LabCorp Variant Classification Summary - May 2015. Collection method: clinical testing. Allele origin: germline.
Comment: Variant summary: DMD c.6463C>T (p.Arg2155Trp) results in a non-conservative amino acid change in the encoded protein sequence. Three of five in-silico tools predict a benign effect of the variant on protein function. The variant allele was found at a frequency of 0.026 in 199100 control chromosomes in the gnomAD database, including 80 homozygotes and 1967 hemizygotes, which is significantly over the estimated maximal expected allele frequency for a pathogenic variant in DMD causing Dystrophinopathies phenotype (0.000008824), strongly suggesting that the variant is benign. Five ClinVar submissions from clinical diagnostic laboratories (evaluation after 2014) cite the variant as likely benign/benign. Based on the evidence outlined above, the variant was classified as benign.

Illumina Laboratory Services, Illumina
Classification: Benign for Dilated cardiomyopathy 3B. Last evaluated: 2018-01-13. Review status: criteria provided, single submitter. Criteria: ICSL Variant Classification Criteria 13 December 2019. Collection method: clinical testing. Allele origin: germline.
Comment: This variant was observed in the ICSL laboratory as part of a predisposition screen in an ostensibly healthy population. It had not been previously curated by ICSL or reported in the Human Gene Mutation Database (HGMD: prior to June 1st, 2018), and was therefore a candidate for classification through an automated scoring system. Utilizing variant allele frequency, disease prevalence and penetrance estimates, and inheritance mode, an automated score was calculated to assess if this variant is too frequent to cause the disease. Based on the score and internal cut-off values, a variant classified as benign is not then subjected to further curation. The score for this variant resulted in a classification of benign for this disease.

Ambry Genetics
Classification: Benign for Cardiovascular phenotype. Last evaluated: 2015-06-29. Review status: criteria provided, single submitter. Criteria: Ambry Variant Classification Scheme 2023. Collection method: clinical testing. Allele origin: germline.

Laboratory for Molecular Medicine, Mass General Brigham Personalized Medicine
Classification: Benign. Last evaluated: 2014-10-29. Review status: criteria provided, single submitter. Criteria: LMM Criteria. Collection method: clinical testing. Allele origin: germline. Observed: 30 variant alleles.
Comment: p.Arg2155Trp in exon 45 of DMD: This variant is not expected to have clinical si gnificance because it has been identified in 3.8% (254/6725) of European America n chromosomes by the NHLBI Exome Sequencing Project (u/EVS/; dbSNP rs1800273).

Eurofins Ntd Llc (ga)
Classification: Benign. Last evaluated: 2014-06-10. Review status: criteria provided, single submitter. Criteria: EGL Classification Definitions 2015. Collection method: clinical testing. Allele origin: germline. Observed: 23 variant alleles, 8 heterozygotes, 3 homozygotes, 12 hemizygotes.

GeneDx
Classification: Benign. Last evaluated: 2014-03-11. Review status: criteria provided, single submitter. Criteria: GeneDx Variant Classification (06012015). Collection method: clinical testing. Allele origin: germline. Affected: yes.
Comment: This variant is considered likely benign or benign based on one or more of the following criteria: it is a conservative change, it occurs at a poorly conserved position in the protein, it is predicted to be benign by multiple in silico algorithms, and/or has population frequency not consistent with disease.

Breakthrough Genomics
Classification: Likely benign. Review status: criteria provided, single submitter. Criteria: ACMG Guidelines, 2015. Collection method: not provided. Allele origin: germline. Inheritance: X-linked inheritance. Affected: yes.

PreventionGenetics, part of Exact Sciences
Classification: Likely benign. Review status: criteria provided, single submitter. Criteria: ACMG Guidelines, 2015. Collection method: clinical testing. Allele origin: germline.

Natera, Inc.
Classification: Likely benign for Becker muscular dystrophy; Cardiomyopathy; Duchenne muscular dystrophy; Dystrophin deficiency. Last evaluated: 2017-03-28. Review status: no assertion criteria provided. Collection method: clinical testing. Allele origin: germline. Not counted in ClinVar's aggregate classification.

Clinical Genetics, Academic Medical Center
Classification: Benign. Review status: no assertion criteria provided. Collection method: clinical testing. Allele origin: germline. Affected: yes. Study: VKGL Data-share Consensus. Not counted in ClinVar's aggregate classification.

Diagnostic Laboratory, Department of Genetics, University Medical Center Groningen
Classification: Likely benign. Review status: no assertion criteria provided. Collection method: clinical testing. Allele origin: germline. Affected: yes. Study: VKGL Data-share Consensus. Not counted in ClinVar's aggregate classification.

Genome Diagnostics Laboratory, University Medical Center Utrecht
Classification: Benign. Review status: no assertion criteria provided. Collection method: clinical testing. Allele origin: germline. Affected: yes. Study: VKGL Data-share Consensus. Not counted in ClinVar's aggregate classification.

Laboratory of Diagnostic Genome Analysis, Leiden University Medical Center (LUMC)
Classification: Benign. Review status: no assertion criteria provided. Collection method: clinical testing. Allele origin: germline. Affected: yes. Study: VKGL Data-share Consensus. Not counted in ClinVar's aggregate classification.

Literature cited by the submitters: PubMed 19937601 (cited by Athena Diagnostics).